The following is an entry in ClinVar:

NM_033337.3(CAV3):c.337_345dup (p.Glu113_Gln115dup)

Genes: CAV3 (caveolin 3; plus strand), OXTR (oxytocin receptor; minus strand). Cytogenetic location: 3p25.3.
Variant type: Duplication.
Coding change: c.337_345dup on transcript NM_033337.3 (MANE Select); coding-DNA positions 337 to 345, 9 bases duplicated (GAGATCCAG; older notation c.337_345dupGAGATCCAG).
Protein change: p.Glu113_Gln115dup.
Molecular consequence: inframe insertion.
Genome position (GRCh38, 1-based): chr3:8,745,748-8,745,756, GAGATCCAG duplicated. VCF-style (leftmost placement, unchanged base first): chr3-8745747-C-CGAGATCCAG. GRCh37 (hg19) VCF-style: chr3-8787433-C-CGAGATCCAG.
Other names: c.337_345dupGAGATCCAG (NM_033337.2); c.337_345dup, p.Glu113_Gln115dup (NM_001234.5).
Identifiers: ClinVar variation 457131 (VCV000457131.5), dbSNP rs1553614446, ClinGen allele CA658655752.

ClinVar aggregate classification (germline): Uncertain significance (1 of 4 stars; one submission).

Conditions:
Long QT syndrome (LQTS). Identifiers: MedGen C0023976, MeSH D008133, MONDO:0002442. Disease mechanism: loss of function. Inheritance: Various modes of inheritance.

Submission:

Labcorp Genetics (formerly Invitae), Labcorp
Classification: Uncertain significance for Long QT syndrome. Last evaluated: 2017-10-17. Review status: criteria provided, single submitter. Criteria: Invitae Variant Classification Sherloc (09022015). Collection method: clinical testing. Allele origin: germline.
Comment: This variant, c.337_345dupGAGATCCAG, results in the insertion of 3 amino acid(s) to the CAV3 protein (p.Glu113_Gln115dup), but otherwise preserves the integrity of the reading frame. This variant is not present in population databases (ExAC no frequency). This variant has not been reported in the literature in individuals with a CAV3-related disease. Experimental studies and prediction algorithms are not available for this variant, and the functional significance of the duplicated amino acid is currently unknown. In summary, this variant has uncertain impact on CAV3 function. The available evidence is currently insufficient to determine its role in disease. Therefore, it has been classified as a Variant of Uncertain Significance.